The following is an entry in ClinVar:

NM_001103.4(ACTN2):c.134C>G (p.Thr45Ser)

Gene: ACTN2 (actinin alpha 2; plus strand). Cytogenetic location: 1q43.
Variant type: single nucleotide variant.
Coding change: c.134C>G on transcript NM_001103.4 (MANE Select); coding-DNA position 134, C replaced by G.
Protein change: p.Thr45Ser; replaces threonine 45 with serine.
Molecular consequence: missense variant. On other transcripts: non-coding transcript variant (1).
Genome position (GRCh38, 1-based): chr1:236,717,865, C>G. VCF-style: chr1-236717865-C-G. GRCh37 (hg19) VCF-style: chr1-236881165-C-G.
Other names: c.134C>G, p.Thr45Ser (NM_001278343.2); short protein forms T45S.
Identifiers: ClinVar variation 4071652 (VCV004071652.1).

ClinVar aggregate classification (germline): Uncertain significance (1 of 4 stars; one submission).

Submission:

GeneDx
Classification: Uncertain significance. Last evaluated: 2025-01-21. Review status: criteria provided, single submitter. Criteria: GeneDx Variant Classification Process June 2021. Collection method: clinical testing. Allele origin: germline. Affected: yes.
Comment: Not observed at significant frequency in large population cohorts (gnomAD); In silico analysis supports that this missense variant has a deleterious effect on protein structure/function; Has not been previously published as pathogenic or benign to our knowledge